The following is an entry in ClinVar:

NM_006734.4(HIVEP2):c.6091G>C (p.Glu2031Gln)

Gene: HIVEP2 (HIVEP zinc finger 2; minus strand). Cytogenetic location: 6q24.2.
Variant type: single nucleotide variant.
Coding change: c.6091G>C on transcript NM_006734.4 (MANE Select); coding-DNA position 6091, G replaced by C.
Protein change: p.Glu2031Gln; replaces glutamic acid 2031 with glutamine.
Molecular consequence: missense variant.
Genome position (GRCh38, 1-based): chr6:142,760,197, C>G on the plus strand (G>C on the coding strand, the complement: HIVEP2 is on the minus strand). VCF-style: chr6-142760197-C-G. GRCh37 (hg19) VCF-style: chr6-143081334-C-G.
Other names: short protein forms E2031Q.
Identifiers: ClinVar variation 4056701 (VCV004056701.1).

ClinVar aggregate classification (germline): Uncertain significance (1 of 4 stars; one submission).

Conditions:
Intellectual developmental disorder, autosomal dominant 43. Also called: Intellectual disability, autosomal dominant 43. Identifiers: MedGen C4707429, MONDO:0014858, OMIM 616977.

Submission:

Laboratorio de Genetica e Diagnostico Molecular, Hospital Israelita Albert Einstein
Classification: Uncertain significance for Intellectual developmental disorder, autosomal dominant 43. Last evaluated: 2024-07-14. Review status: criteria provided, single submitter. Criteria: ACMG Guidelines, 2015. Collection method: clinical testing. Allele origin: germline. Affected: yes.
Comment: ACMG classification criteria: PM2 supporting, PP2 supporting, BP4 supporting